The following is an entry in ClinVar:

NM_018060.4(IARS2):c.453C>T (p.Pro151=)

Gene: IARS2 (isoleucyl-tRNA synthetase 2, mitochondrial; plus strand). Cytogenetic location: 1q41.
Variant type: single nucleotide variant.
Coding change: c.453C>T on transcript NM_018060.4 (MANE Select); coding-DNA position 453, C replaced by T.
Protein change: p.Pro151=; no amino-acid change (proline 151 retained).
Molecular consequence: synonymous variant.
Genome position (GRCh38, 1-based): chr1:220,100,552, C>T. VCF-style: chr1-220100552-C-T. GRCh37 (hg19) VCF-style: chr1-220273894-C-T.
Identifiers: ClinVar variation 507136 (VCV000507136.9), dbSNP rs756654341, ClinGen allele CA1401113.

ClinVar aggregate classification (germline): Likely benign. Review status: criteria provided, multiple submitters, no conflicts (2 of 4 stars). 3 submissions from 3 submitters: Likely benign (3). Last evaluated 2024-06-04.

Allele frequency attached by ClinVar (database versions not stated): gnomAD 0.00003; TOPMed 0.00005; gnomAD exomes 0.00007 and 0.00013; ExAC 0.00016.
gnomAD v4.1: 101 of 1,612,800 alleles (0.0063%); highest among the groups gnomAD compares: Admixed American, 0.032%; no homozygotes.

Submissions (3):

Labcorp Genetics (formerly Invitae), Labcorp
Classification: Likely benign. Last evaluated: 2024-06-04. Review status: criteria provided, single submitter. Criteria: Invitae Variant Classification Sherloc (09022015). Collection method: clinical testing. Allele origin: germline.

GeneDx
Classification: Likely benign. Last evaluated: 2017-02-08. Review status: criteria provided, single submitter. Criteria: GeneDx Variant Classification (06012015). Collection method: clinical testing. Allele origin: germline. Affected: yes.
Comment: This variant is considered likely benign or benign based on one or more of the following criteria: it is a conservative change, it occurs at a poorly conserved position in the protein, it is predicted to be benign by multiple in silico algorithms, and/or has population frequency not consistent with disease.

Breakthrough Genomics
Classification: Likely benign. Review status: criteria provided, single submitter. Criteria: ACMG Guidelines, 2015. Collection method: not provided. Allele origin: germline. Inheritance: Autosomal recessive inheritance. Affected: yes.